The following is an entry in ClinVar:

NM_001378964.1(CDON):c.2963T>C (p.Leu988Pro)

Gene: CDON (cell adhesion associated, oncogene regulated; minus strand). Cytogenetic location: 11q24.2.
Variant type: single nucleotide variant.
Coding change: c.2963T>C on transcript NM_001378964.1 (MANE Select); coding-DNA position 2963, T replaced by C.
Protein change: p.Leu988Pro; replaces leucine 988 with proline.
Molecular consequence: missense variant.
Genome position (GRCh38, 1-based): chr11:125,983,904, A>G on the plus strand (T>C on the coding strand, the complement: CDON is on the minus strand). VCF-style: chr11-125983904-A-G. GRCh37 (hg19) VCF-style: chr11-125853799-A-G.
Other names: c.2963T>C, p.Leu988Pro (NM_001243597.3, NM_016952.6); short protein forms L988P.
Identifiers: ClinVar variation 3369348 (VCV003369348.1).

ClinVar aggregate classification (germline): Uncertain significance (1 of 4 stars; one submission).

Submission:

GeneDx
Classification: Uncertain significance. Last evaluated: 2024-02-15. Review status: criteria provided, single submitter. Criteria: GeneDx Variant Classification Process June 2021. Collection method: clinical testing. Allele origin: germline. Affected: yes.
Comment: Not observed at significant frequency in large population cohorts (gnomAD); In silico analysis supports that this missense variant has a deleterious effect on protein structure/function; Has not been previously published as pathogenic or benign to our knowledge